The following is an entry in ClinVar:

NM_004239.4(TRIP11):c.4828A>G (p.Arg1610Gly)

Gene: TRIP11 (thyroid hormone receptor interactor 11; minus strand). Cytogenetic location: 14q32.12.
Variant type: single nucleotide variant.
Coding change: c.4828A>G on transcript NM_004239.4 (MANE Select); coding-DNA position 4828, A replaced by G.
Protein change: p.Arg1610Gly; replaces arginine 1610 with glycine.
Molecular consequence: missense variant.
Genome position (GRCh38, 1-based): chr14:91,999,304, T>C on the plus strand (A>G on the coding strand, the complement: TRIP11 is on the minus strand). VCF-style: chr14-91999304-T-C. GRCh37 (hg19) VCF-style: chr14-92465648-T-C.
Other names: c.4825A>G, p.Arg1609Gly (NM_001321851.1); short protein forms R1610G, R1609G.
Identifiers: ClinVar variation 1473357 (VCV001473357.6), dbSNP rs1566855488, ClinGen allele CA390646550.

ClinVar aggregate classification (germline): Uncertain significance (1 of 4 stars; one submission).

Conditions:
Achondrogenesis, type IA (ACG1A). Identifiers: Orphanet 932, Orphanet 93299, MedGen C0265273, MONDO:0008701, OMIM 200600.

Allele frequency attached by ClinVar (database versions not stated): gnomAD exomes below 0.00001.

Submission:

Labcorp Genetics (formerly Invitae), Labcorp
Classification: Uncertain significance for Achondrogenesis, type IA. Last evaluated: 2021-11-02. Review status: criteria provided, single submitter. Criteria: Invitae Variant Classification Sherloc (09022015). Collection method: clinical testing. Allele origin: germline.
Comment: Algorithms developed to predict the effect of missense changes on protein structure and function are either unavailable or do not agree on the potential impact of this missense change (SIFT: "Not Available"; PolyPhen-2: "Benign"; Align-GVGD: "Not Available"). In summary, the available evidence is currently insufficient to determine the role of this variant in disease. Therefore, it has been classified as a Variant of Uncertain Significance. This variant has not been reported in the literature in individuals affected with TRIP11-related conditions. This variant is not present in population databases (gnomAD no frequency). This sequence change replaces arginine, which is basic and polar, with glycine, which is neutral and non-polar, at codon 1610 of the TRIP11 protein (p.Arg1610Gly).